The following is an entry in ClinVar:

NM_004415.4(DSP):c.1426G>T (p.Val476Leu)

Gene: DSP (desmoplakin; plus strand). Cytogenetic location: 6p24.3.
Variant type: single nucleotide variant.
Coding change: c.1426G>T on transcript NM_004415.4 (MANE Select); coding-DNA position 1426, G replaced by T.
Protein change: p.Val476Leu; replaces valine 476 with leucine.
Molecular consequence: missense variant.
Genome position (GRCh38, 1-based): chr6:7,569,192, G>T. VCF-style: chr6-7569192-G-T. GRCh37 (hg19) VCF-style: chr6-7569425-G-T.
Other names: c.1426G>T, p.Val476Leu (NM_001008844.3, NM_001319034.2); short protein forms V476L.
Identifiers: ClinVar variation 3071786 (VCV003071786.1), dbSNP rs367987327, ClinGen allele CA028192.

ClinVar aggregate classification (germline): Uncertain significance (1 of 4 stars; one submission).

Conditions:
Arrhythmogenic cardiomyopathy with wooly hair and keratoderma. Also called: PALMOPLANTAR KERATODERMA WITH LEFT VENTRICULAR CARDIOMYOPATHY AND WOOLLY HAIR; Carvajal syndrome; Dilated cardiomyopathy with woolly hair and keratoderma; Arrhythmogenic cardiomyopathy with woolly hair and keratoderma. Identifiers: Orphanet 65282, MedGen C1854063, MONDO:0011581, OMIM 605676.

gnomAD v4.1: 2 of 1,614,050 alleles (0.00012%); highest among the groups gnomAD compares: African/African-American, 0.0013%; no homozygotes.

Submission:

All of Us Research Program, National Institutes of Health
Classification: Uncertain significance for Arrhythmogenic cardiomyopathy with wooly hair and keratoderma. Last evaluated: 2023-06-26. Review status: criteria provided, single submitter. Criteria: ACMG Guidelines, 2015. Collection method: clinical testing. Allele origin: germline. Inheritance: Autosomal dominant inheritance. Observed: 2 variant alleles, 2 heterozygotes.
Comment: This missense variant replaces valine with leucine at codon 476 of the DSP protein. Computational prediction suggests that this variant may not impact protein structure and function (internally defined REVEL score threshold <= 0.5, PMID: 27666373). To our knowledge, functional studies have not been reported for this variant. This variant has not been reported in individuals affected with DSP-related disorders in the literature. This variant has been identified in 1/251430 chromosomes in the general population by the Genome Aggregation Database (gnomAD). The available evidence is insufficient to determine the role of this variant in disease conclusively. Therefore, this variant is classified as a Variant of Uncertain Significance.

This study involves interpretation of variants in research participants for the purpose of population health screening. Participant phenotype was not available at the time of variant classification. Additional details can be found in publication PMID: 35346344, PMCID: PMC8962531